The following is an entry in ClinVar:

ClinVar aggregate classification (germline): Likely benign (0 of 4 stars; one submission).

Conditions:
B3GALNT1-related disorder. Also called: B3GALNT1-related condition.

Allele frequency attached by ClinVar (database versions not stated): gnomAD exomes 0.00029; gnomAD 0.00252; 1000 Genomes Project 0.00260; 1000 Genomes Project 30x 0.00265; TOPMed 0.00266.
gnomAD v4.1: 389 of 181,548 alleles (0.21%); highest among the groups gnomAD compares: African/African-American, 0.87%; no homozygotes.

Submission:

PreventionGenetics, part of Exact Sciences
Classification: Likely benign for B3GALNT1-related condition. Last evaluated: 2019-03-22. Review status: no assertion criteria provided. Collection method: clinical testing. Allele origin: germline.
Comment: This variant is classified as likely benign based on ACMG/AMP sequence variant interpretation guidelines (Richards et al. 2015 PMID: 25741868, with internal and published modifications).

NM_003781.4(B3GALNT1):c.-34-3259G>T

Gene: B3GALNT1 (beta-1,3-N-acetylgalactosaminyltransferase 1 (Globoside blood group); minus strand). Cytogenetic location: 3q26.1.
Variant type: single nucleotide variant.
Coding change: c.-34-3259G>T on transcript NM_003781.4 (MANE Select); 3259 bases into the intron before 34 bases upstream of the start codon, G replaced by T.
Molecular consequence: intron variant. On other transcripts: 5 prime UTR variant (12), missense variant (2).
Genome position (GRCh38, 1-based): chr3:161,090,047, C>A on the plus strand (G>T on the coding strand, the complement: B3GALNT1 is on the minus strand). VCF-style: chr3-161090047-C-A. GRCh37 (hg19) VCF-style: chr3-160807835-C-A.
Other names: c.-138G>T (NM_001038628.2, NM_001349137.2, NM_001349140.2 and 9 more transcripts); c.223G>T, p.Ala75Ser (NM_001349162.2, NM_001349163.2); c.-34-3259G>T (NM_001349142.2, NM_001349134.2, NM_033168.3 and 20 more transcripts); c.-132-6G>T (NM_001349133.2); short protein forms A75S.
Identifiers: ClinVar variation 3039696 (VCV003039696.2), dbSNP rs35965503, ClinGen allele CA2688290.
Genomic context (GRCh38, chr3:161,090,047, plus strand): 5'-TAAACCTGAGAGACGGAGATTGCAGTGAGCTGAGATCCTGCCACTGTACTCCAGCCTGGG[C>A]AACAGAGCAGCAAGACTGTCTCAAAATAAATAAACAAACATCATTAATAAGGGACAAAGG-3'